The following is an entry in ClinVar:

ClinVar aggregate classification (germline): Likely benign. Review status: criteria provided, multiple submitters, no conflicts (2 of 4 stars). 2 submissions from 2 submitters: Likely benign (2). Last evaluated 2025-03-05.

Conditions:
Bethlem myopathy 1A. Also called: Bethlem myopathy 1; MYOPATHY, BENIGN CONGENITAL, WITH CONTRACTURES; Bethlem Muscular Dystrophy. Identifiers: Orphanet 610, MedGen CN029274, MONDO:0024530, OMIM 158810.

Allele frequency attached by ClinVar (database versions not stated): ExAC 0.00001; TOPMed 0.00001; gnomAD exomes 0.00002.
gnomAD v4.1: 47 of 1,614,252 alleles (0.0029%); highest among the groups gnomAD compares: Non-Finnish European, 0.0037%; no homozygotes.

Submissions (2):

Labcorp Genetics (formerly Invitae), Labcorp
Classification: Likely benign for Bethlem myopathy 1A. Last evaluated: 2025-03-05. Review status: criteria provided, single submitter. Criteria: Invitae Variant Classification Sherloc (09022015). Collection method: clinical testing. Allele origin: germline.

CeGaT Center for Human Genetics Tuebingen
Classification: Likely benign. Last evaluated: 2022-07-01. Review status: criteria provided, single submitter. Criteria: CeGaT Center For Human Genetics Tuebingen Variant Classification Criteria Version 2. Collection method: clinical testing. Allele origin: germline. Affected: yes. Observed: 1 variant allele.
Comment: COL6A3: BP4, BP7

NM_004369.4(COL6A3):c.2907G>A (p.Val969=)

Gene: COL6A3 (collagen type VI alpha 3 chain; minus strand). Cytogenetic location: 2q37.3.
Variant type: single nucleotide variant.
Coding change: c.2907G>A on transcript NM_004369.4 (MANE Select); coding-DNA position 2907, G replaced by A.
Protein change: p.Val969=; no amino-acid change (valine 969 retained).
Molecular consequence: synonymous variant.
Genome position (GRCh38, 1-based): chr2:237,376,935, C>T on the plus strand (G>A on the coding strand, the complement: COL6A3 is on the minus strand). VCF-style: chr2-237376935-C-T. GRCh37 (hg19) VCF-style: chr2-238285578-C-T.
Other names: c.1686G>A, p.Val562= (NM_057164.5); c.2289G>A, p.Val763= (NM_057165.5, NM_057167.4); c.1086G>A, p.Val362= (NM_057166.5).
Identifiers: ClinVar variation 1701411 (VCV001701411.34), dbSNP rs772894785, ClinGen allele CA2189295.
Genomic context (GRCh38, chr2:237,376,935, plus strand): 5'-AGACAGCACGATCTGCTCTAACTCAGCAGGGTCTGCGTTCTTGGCTTGGAAGATGAAAGG[C>T]ACAACCCCACTCTGCTTCAGGTTACTTGCTGGCCCATCCACACGGTCAGATGACCTTCCT-3'
Protein context (NP_004360.2, residues 959-979): PASNLKQSGV[Val969=]PFIFQAKNAD